The following is an entry in ClinVar:

NM_000051.4(ATM):c.1380G>C (p.Thr460=)

Gene: ATM (ATM serine/threonine kinase; plus strand). Cytogenetic location: 11q22.3.
Variant type: single nucleotide variant.
Coding change: c.1380G>C on transcript NM_000051.4 (MANE Select); coding-DNA position 1380, G replaced by C.
Protein change: p.Thr460=; no amino-acid change (threonine 460 retained).
Molecular consequence: synonymous variant.
Genome position (GRCh38, 1-based): chr11:108,250,845, G>C. VCF-style: chr11-108250845-G-C. GRCh37 (hg19) VCF-style: chr11-108121572-G-C.
Other names: p.T460T:ACG>ACC; c.1380G>C, p.Thr460= (NM_001351834.2).
Identifiers: ClinVar variation 136434 (VCV000136434.45), dbSNP rs145333518, ClinGen allele CA289532.

ClinVar aggregate classification (germline): Benign/Likely benign. Review status: criteria provided, multiple submitters, no conflicts (2 of 4 stars). 20 submissions from 20 submitters: Benign (7); Likely benign (10). 3 of the submissions do not count toward it. Last evaluated 2026-01-28.

Conditions:
Breast and/or ovarian cancer. Identifiers: MedGen CN221562.
Hereditary cancer-predisposing syndrome. Also called: Tumor predisposition; Hereditary neoplastic syndrome; Hereditary Cancer Syndrome; Neoplastic Syndromes, Hereditary. Identifiers: Orphanet 140162, MedGen C0027672, MeSH D009386, MONDO:0015356.
Familial cancer of breast. Also called: Hereditary breast cancer; hereditary breast carcinoma; BREAST CANCER, FAMILIAL. Identifiers: Orphanet 227535, MedGen C0346153, MONDO:0016419, OMIM 114480. Disease mechanism: loss of function.
Ataxia-telangiectasia syndrome (AT). Also called: ATAXIA-TELANGIECTASIA, COMPLEMENTATION GROUP A; ATAXIA-TELANGIECTASIA, FRESNO VARIANT; Ataxia-telangiectasia; Ataxia-telangiectasia, complementation group D; AT, COMPLEMENTATION GROUP C; Ataxia-telangiectasia, complementation group E. Identifiers: Orphanet 100, MedGen C0004135, MONDO:0008840, OMIM 208900.
Malignant tumor of breast. Also called: Cancer breast; Malignant breast neoplasm. Identifiers: MedGen C0006142, MONDO:0007254. Disease mechanism: loss of function.

Allele frequency attached by ClinVar (database versions not stated): 1000 Genomes Project 0.00060; 1000 Genomes Project 30x 0.00062; ESP Exome Variant Server 0.00085; TOPMed 0.00085.
gnomAD v4.1: 224 of 1,614,076 alleles (0.014%); highest among the groups gnomAD compares: African/African-American, 0.24%; 1 homozygote.

Submissions (20):

Labcorp Genetics (formerly Invitae), Labcorp
Classification: Benign for Ataxia-telangiectasia syndrome. Last evaluated: 2026-01-28. Review status: criteria provided, single submitter. Criteria: Invitae Variant Classification Sherloc (09022015). Collection method: clinical testing. Allele origin: germline.

CeGaT Center for Human Genetics Tuebingen
Classification: Likely benign. Last evaluated: 2025-07-01. Review status: criteria provided, single submitter. Criteria: CeGaT Center For Human Genetics Tuebingen Variant Classification Criteria Version 2. Collection method: clinical testing. Allele origin: germline. Affected: yes. Observed: 1 variant allele.
Comment: ATM: BP4, BP7

Institute for Biomarker Research, Medical Diagnostic Laboratories, L.L.C.
Classification: Benign for Hereditary cancer-predisposing syndrome. Last evaluated: 2025-01-30. Review status: criteria provided, single submitter. Criteria: ACMG Guidelines, 2015. Collection method: clinical testing. Allele origin: germline.
Comment: The synonymous variant NM_000051.4(ATM):c.1380G>C (p.Thr460=) has been reported to ClinVar as Benign/Likely benign with a status of (2 stars) criteria provided, multiple submitters, no conflicts (Variation ID 136434 as of 2025-01-02). . The p.Thr460= variant is not predicted to disrupt an existing splice site. The p.Thr460= variant is predicted to introduce a novel splice site by 1 of 4 splice site algorithms. The p.Thr460= variant results in a substitution of a base that is not predicted conserved by GERP++ and PhyloP. For these reasons, this variant has been classified as Benign.

Myriad Genetics, Inc.
Classification: Benign for Familial cancer of breast. Last evaluated: 2024-04-29. Review status: criteria provided, single submitter. Criteria: Myriad Autosomal Dominant, Autosomal Recessive and X-Linked Classification Criteria (2023). Collection method: clinical testing. Allele origin: unknown.
Comment: This variant is considered benign. This variant is a silent/synonymous amino acid change and it is not expected to impact splicing.

Blueprint Genetics
Classification: Likely benign. Last evaluated: 2024-04-22. Review status: criteria provided, single submitter. Criteria: ACMG Guidelines, 2015. Collection method: clinical testing. Allele origin: germline.

KCCC/NGS Laboratory, Kuwait Cancer Control Center
Classification: Benign for Familial cancer of breast. Last evaluated: 2023-07-07. Review status: criteria provided, single submitter. Criteria: ACMG Guidelines, 2015. Collection method: clinical testing. Allele origin: germline. Affected: yes.

Sema4
Classification: Likely benign for Hereditary cancer-predisposing syndrome. Last evaluated: 2021-01-28. Review status: criteria provided, single submitter. Criteria: Sema4 Curation Guidelines. Collection method: curation. Allele origin: germline.

Spanish ATM Cancer Susceptibility Variant Interpretation Working Group
Classification: Likely benign for Hereditary cancer-predisposing syndrome. Last evaluated: 2020-06-17. Review status: criteria provided, single submitter. Criteria: Feliubadaló L et al. (Clin Chem 2021). Collection method: clinical testing. Allele origin: germline. Affected: yes. Observed: 2 heterozygotes. Clinical features observed: Breast carcinoma, Bilateral breast cancer.
Comment: The c.1380G>C p.(Thr460=) variant has an allele frequency of 0.00249 (0.24%, 59/ 23608 alleles) in the African population of the gnomAD v2.1.1 non-cancer dataset (BS1). It is a silent variant not predicted to lead to a splicing alteration according to SPiCE, and no splicing site is created/activated according to at least 3 splicing predictors of the set SpliceSiteFinderlike – MaxEntScan – NNSplice - GeneSplicer (BP4). The variant is located at a nucleotide that is not highly conserved across species, based on PhyloP (BP7). Therefore, this variant meets criteria to be classified as likely benign. Adapted ACMG/AMP rules applied as defined by the Spanish ATM working group: BS1 + BP4 + BP7 (PMID: 33280026).

CHEO Genetics Diagnostic Laboratory, Children's Hospital of Eastern Ontario
Classification: Likely benign for Breast and/or ovarian cancer. Last evaluated: 2019-09-09. Review status: criteria provided, single submitter. Criteria: ACMG Guidelines, 2015. Collection method: clinical testing. Allele origin: germline.

Athena Diagnostics
Classification: Benign. Last evaluated: 2019-05-01. Review status: criteria provided, single submitter. Criteria: Athena Diagnostics Criteria. Collection method: clinical testing. Allele origin: germline.

Quest Diagnostics Nichols Institute San Juan Capistrano
Classification: Benign. Last evaluated: 2019-05-01. Review status: criteria provided, single submitter. Criteria: Quest Diagnostics criteria. Collection method: clinical testing. Allele origin: unknown.

Eurofins Ntd Llc (ga)
Classification: Likely benign. Last evaluated: 2018-05-29. Review status: criteria provided, single submitter. Criteria: EGL ClinVar v180209 classification definitions. Collection method: clinical testing. Allele origin: germline. Observed: 1 variant allele, 1 heterozygote.

Women's Health and Genetics/Laboratory Corporation of America, LabCorp
Classification: Likely benign. Last evaluated: 2017-02-16. Review status: criteria provided, single submitter. Criteria: LabCorp Variant Classification Summary - May 2015. Collection method: clinical testing. Allele origin: germline.
Comment: Variant summary: The ATM c.1380G>C (p.Thr460Thr) variant causes a synonymous change involving the alteration of a non-conserved nucleotide, which 4/5 splice prediction tools predict no significant impact on normal splicing and ESE finder predicts alterations to ESE binding. However, these predictions have yet to be confirmed by functional studies. The variant of interest was observed in the large, broad control population, ExAC, with an allele frequency of 23/121350 (1/5277), predominantly in the African cohort, 21/10404 (1/474), which exceeds the estimated maximal expected allele frequency for a pathogenic ATM variant of 1/999 for Breast Cancer. Therefore, suggesting this is likely a benign polymorphism found primarily in population(s) of African origin. The variant of interest has not been reported, to our knowledge, in affected individuals via publications. However, multiple clinical diagnostic laboratories classified this variant as benign. Taken together, this variant is classified as "likely benign."

Color Diagnostics, LLC DBA Color Health
Classification: Likely benign for Hereditary cancer-predisposing syndrome. Last evaluated: 2015-09-22. Review status: criteria provided, single submitter. Criteria: ACMG Guidelines, 2015. Collection method: clinical testing. Allele origin: germline.

Genetic Services Laboratory, University of Chicago
Classification: Likely benign. Last evaluated: 2015-09-02. Review status: criteria provided, single submitter. Criteria: ACMG Guidelines, 2015. Collection method: clinical testing. Allele origin: germline. Affected: no.

Ambry Genetics
Classification: Likely benign for Hereditary cancer-predisposing syndrome. Last evaluated: 2014-09-29. Review status: criteria provided, single submitter. Criteria: Ambry Variant Classification Scheme 2023. Collection method: clinical testing. Allele origin: germline.

GeneDx
Classification: Benign. Last evaluated: 2014-02-03. Review status: criteria provided, single submitter. Criteria: GeneDx Variant Classification (06012015). Collection method: clinical testing. Allele origin: germline. Affected: yes.
Comment: This variant is considered likely benign or benign based on one or more of the following criteria: it is a conservative change, it occurs at a poorly conserved position in the protein, it is predicted to be benign by multiple in silico algorithms, and/or has population frequency not consistent with disease.

Clinical Genetics DNA and cytogenetics Diagnostics Lab, Erasmus MC, Erasmus Medical Center
Classification: Likely benign. Review status: no assertion criteria provided. Collection method: clinical testing. Allele origin: germline. Affected: yes. Study: VKGL Data-share Consensus. Not counted in ClinVar's aggregate classification.

Department of Pathology and Laboratory Medicine, Sinai Health System
Classification: Likely benign for Malignant tumor of breast. Review status: no assertion criteria provided. Collection method: clinical testing. Allele origin: unknown. Affected: yes. Study: The Canadian Open Genetics Repository (COGR). Not counted in ClinVar's aggregate classification.
Comment: The ATM p.Thr460= variant was not identified in the literature. The variant was identified in dbSNP (ID: rs145333518) as "With Likely benign, other allele", ClinVar (classified as benign by GeneDx and Invitae; as likely benign by Ambry Genetics, University of Chicago, Color Genomics, Integrated Genetics and EGL Genetic Diagnostics), and LOVD 3.0 (classified as likely benign by VKGL data sharing initiative).The variant was identified in control databases in 60 of 277138 chromosomes at a frequency of 0.0002 increasing the likelihood this could be a low frequency benign variant (Genome Aggregation Database Feb 27, 2017). The variant was observed in the following populations: African in 56 of 24028 chromosomes (freq: 0.002), Other in 1 of 6466 chromosomes (freq: 0.0002), Latino in 2 of 34402 chromosomes (freq: 0.00006), European Non-Finnish in 1 of 126658 chromosomes (freq: 0.000008), while the variant was not observed in the Ashkenazi Jewish, East Asian, European Finnish, and South Asian populations. The p.Thr460= variant is not expected to have clinical significance because it does not result in a change of amino acid and is not located in a known consensus splice site and the nucleotide is not conserved across mammals. In addition, in silico or computational prediction software programs (SpliceSiteFinder, MaxEntScan, NNSPLICE, GeneSplicer) do not predict a difference in splicing. The variant occurs outside of the splicing consensus sequence and in silico or computational prediction software programs (SpliceSiteFinder, MaxEntScan, NNSPLICE, GeneSplicer) do not predict a difference in splicing. In summary, based on the above information the clinical significance of this variant cannot be determined with certainty at this time although we would lean towards a more benign role for this variant. This variant is classified as likely benign.

Genome Diagnostics Laboratory, University Medical Center Utrecht
Classification: Likely benign. Review status: no assertion criteria provided. Collection method: clinical testing. Allele origin: germline. Affected: yes. Study: VKGL Data-share Consensus. Not counted in ClinVar's aggregate classification.